The following is an entry in ClinVar:

NM_173569.4(UBN2):c.451C>T (p.Leu151=)

Gene: UBN2 (ubinuclein 2; plus strand). Cytogenetic location: 7q34.
Variant type: single nucleotide variant.
Coding change: c.451C>T on transcript NM_173569.4 (MANE Select); coding-DNA position 451, C replaced by T.
Protein change: p.Leu151=; no amino-acid change (leucine 151 retained).
Molecular consequence: synonymous variant.
Genome position (GRCh38, 1-based): chr7:139,231,935, C>T. VCF-style: chr7-139231935-C-T. GRCh37 (hg19) VCF-style: chr7-138916681-C-T.
Identifiers: ClinVar variation 778367 (VCV000778367.6), dbSNP rs76170879, ClinGen allele CA4508612.
Genomic context (GRCh38, chr7:139,231,935, plus strand): 5'-CTGGTGCTTAAGGACCCCACCGACGAGAGCTGCGTGGAGTTCAGTTACCCGGAGCTGCTG[C>T]TGTGCGGAGAACAACGGGTACAGAAGATTCTTCCCTCCTGCCCCAGACCCCGGGAGCCTC-3'
Protein context (NP_775840.3, residues 141-161): CVEFSYPELL[Leu151=]CGEQRKKLIH

ClinVar aggregate classification (germline): Benign. Review status: criteria provided, multiple submitters, no conflicts (2 of 4 stars). 3 submissions from 3 submitters: Benign (2). 1 of the submissions does not count toward it. Last evaluated 2018-04-30.

Conditions:
UBN2-related disorder. Also called: UBN2-related condition.

Allele frequency attached by ClinVar (database versions not stated): ExAC 0.00684; gnomAD 0.01951 and 0.02075; ESP Exome Variant Server 0.02035; TOPMed 0.02217; 1000 Genomes Project 0.02296; 1000 Genomes Project 30x 0.02608.

Submissions (3):

Labcorp Genetics (formerly Invitae), Labcorp
Classification: Benign. Last evaluated: 2018-04-30. Review status: criteria provided, single submitter. Criteria: Invitae Variant Classification Sherloc (09022015). Collection method: clinical testing. Allele origin: germline.

Breakthrough Genomics
Classification: Benign. Review status: criteria provided, single submitter. Criteria: ACMG Guidelines, 2015. Collection method: not provided. Allele origin: germline. Inheritance: Unknown mechanism. Affected: yes.

PreventionGenetics, part of Exact Sciences
Classification: Likely benign for UBN2-related condition. Last evaluated: 2020-02-26. Review status: no assertion criteria provided. Collection method: clinical testing. Allele origin: germline. Not counted in ClinVar's aggregate classification.
Comment: This variant is classified as likely benign based on ACMG/AMP sequence variant interpretation guidelines (Richards et al. 2015 PMID: 25741868, with internal and published modifications).